The following is an entry in ClinVar:

NM_000059.4(BRCA2):c.1911T>G (p.Gly637=)

Gene: BRCA2 (BRCA2 DNA repair associated; plus strand). Cytogenetic location: 13q13.1.
Variant type: single nucleotide variant.
Coding change: c.1911T>G on transcript NM_000059.4 (MANE Select); coding-DNA position 1911, T replaced by G.
Protein change: p.Gly637=; no amino-acid change (glycine 637 retained).
Molecular consequence: synonymous variant.
Genome position (GRCh38, 1-based): chr13:32,336,266, T>G. VCF-style: chr13-32336266-T-G. GRCh37 (hg19) VCF-style: chr13-32910403-T-G.
Other names: G637G.
Identifiers: ClinVar variation 51226 (VCV000051226.3), dbSNP rs11571652, ClinGen allele CA013905.

ClinVar aggregate classification (germline): Likely benign. Review status: reviewed by expert panel (3 of 4 stars). 2 submissions from 2 submitters: Likely benign (1). 1 of the submissions does not count toward it. Last evaluated 2017-06-29.

Conditions:
Breast-ovarian cancer, familial, susceptibility to, 2 (BROVCA2). Also called: BRCA2 Hereditary Breast and Ovarian Cancer. Identifiers: Orphanet 145, MedGen C2675520, MONDO:0012933, OMIM 612555. Disease mechanism: loss of function.

Submissions (2):

Evidence-based Network for the Interpretation of Germline Mutant Alleles (ENIGMA)
Classification: Likely benign for Breast-ovarian cancer, familial, susceptibility to, 2. Last evaluated: 2017-06-29. Review status: reviewed by expert panel. Criteria: ENIGMA BRCA1/2 Classification Criteria (2017-06-29). Collection method: curation. Allele origin: germline.
Comment: Synonymous substitution variant, with low bioinformatic likelihood to result in a splicing aberration (Splicing prior probability 0.04).

Breast Cancer Information Core (BIC) (BRCA2)
Classification: Uncertain significance for Breast-ovarian cancer, familial 2. Review status: no assertion criteria provided. Collection method: clinical testing. Allele origin: germline. Affected: yes. Observed: 1 variant allele. Not counted in ClinVar's aggregate classification.